The following is an entry in ClinVar:

NM_004655.4(AXIN2):c.346G>A (p.Gly116Arg)

Gene: AXIN2 (axin 2; minus strand). Cytogenetic location: 17q24.1.
Variant type: single nucleotide variant.
Coding change: c.346G>A on transcript NM_004655.4 (MANE Select); coding-DNA position 346, G replaced by A.
Protein change: p.Gly116Arg; replaces glycine 116 with arginine.
Molecular consequence: missense variant.
Genome position (GRCh38, 1-based): chr17:65,558,275, C>T on the plus strand (G>A on the coding strand, the complement: AXIN2 is on the minus strand). VCF-style: chr17-65558275-C-T. GRCh37 (hg19) VCF-style: chr17-63554393-C-T.
Other names: c.346G>A, p.Gly116Arg (NM_001363813.1); short protein forms G116R.
Identifiers: ClinVar variation 1044578 (VCV001044578.8), dbSNP rs2044303577, ClinGen allele CA400681596.

ClinVar aggregate classification (germline): Uncertain significance (1 of 4 stars; one submission).

Conditions:
Oligodontia-cancer predisposition syndrome. Also called: TOOTH AGENESIS-COLORECTAL CANCER SYNDROME. Identifiers: Orphanet 300576, MedGen C1837750, MONDO:0012075, OMIM 608615. Disease mechanism: loss of function.

Submission:

Labcorp Genetics (formerly Invitae), Labcorp
Classification: Uncertain significance for Oligodontia-cancer predisposition syndrome. Last evaluated: 2020-02-28. Review status: criteria provided, single submitter. Criteria: Invitae Variant Classification Sherloc (09022015). Collection method: clinical testing. Allele origin: germline.
Comment: Algorithms developed to predict the effect of sequence changes on RNA splicing suggest that this variant may create or strengthen a splice site, but this prediction has not been confirmed by published transcriptional studies. Algorithms developed to predict the effect of missense changes on protein structure and function (SIFT, PolyPhen-2, Align-GVGD) all suggest that this variant is likely to be disruptive, but these predictions have not been confirmed by published functional studies and their clinical significance is uncertain. This variant has not been reported in the literature in individuals with AXIN2-related conditions. This variant is not present in population databases (ExAC no frequency). This sequence change replaces glycine with arginine at codon 116 of the AXIN2 protein (p.Gly116Arg). The glycine residue is highly conserved and there is a moderate physicochemical difference between glycine and arginine. In summary, the available evidence is currently insufficient to determine the role of this variant in disease. Therefore, it has been classified as a Variant of Uncertain Significance.